The following is an entry in ClinVar:

NM_007272.3(CTRC):c.137C>T (p.Ser46Phe)

Gene: CTRC (chymotrypsin C; plus strand). Cytogenetic location: 1p36.21.
Variant type: single nucleotide variant.
Coding change: c.137C>T on transcript NM_007272.3 (MANE Select); coding-DNA position 137, C replaced by T.
Protein change: p.Ser46Phe; replaces serine 46 with phenylalanine.
Molecular consequence: missense variant.
Genome position (GRCh38, 1-based): chr1:15,440,497, C>T. VCF-style: chr1-15440497-C-T. GRCh37 (hg19) VCF-style: chr1-15766993-C-T.
Other names: short protein forms S46F.
Identifiers: ClinVar variation 2497349 (VCV002497349.3), dbSNP rs1451404148, ClinGen allele CA338564906.

ClinVar aggregate classification (germline): Uncertain significance (1 of 4 stars; one submission).

Conditions:
Hereditary pancreatitis (PCTT). Also called: Hereditary chronic pancreatitis; PRSS1-Related Hereditary Pancreatitis. Identifiers: Orphanet 676, MedGen C0238339, MONDO:0008185, OMIM 167800.

Allele frequency attached by ClinVar (database versions not stated): gnomAD 0.00001.
gnomAD v4.1: 2 of 1,614,030 alleles (0.00012%); highest among the groups gnomAD compares: African/African-American, 0.0027%; no homozygotes.

Submission:

Ambry Genetics
Classification: Uncertain significance for Hereditary pancreatitis. Last evaluated: 2025-04-13. Review status: criteria provided, single submitter. Criteria: Ambry Variant Classification Scheme 2023. Collection method: clinical testing. Allele origin: germline.
Comment: The p.S46F variant (also known as c.137C>T), located in coding exon 3 of the CTRC gene, results from a C to T substitution at nucleotide position 137. The serine at codon 46 is replaced by phenylalanine, an amino acid with highly dissimilar properties. This amino acid position is conserved. In addition, this alteration is predicted to be deleterious by in silico analysis. Since supporting evidence is limited at this time, the clinical significance of this alteration remains unclear.